The following is an entry in ClinVar:

NM_020975.6(RET):c.2791C>A (p.Gln931Lys)

Genes: RET (ret proto-oncogene; plus strand), LOC130003710 (ATAC-STARR-seq lymphoblastoid active region 3286; plus strand). Cytogenetic location: 10q11.21.
Variant type: single nucleotide variant.
Coding change: c.2791C>A on transcript NM_020975.6 (MANE Select); coding-DNA position 2791, C replaced by A.
Protein change: p.Gln931Lys; replaces glutamine 931 with lysine.
Molecular consequence: missense variant.
Genome position (GRCh38, 1-based): chr10:43,122,006, C>A. VCF-style: chr10-43122006-C-A. GRCh37 (hg19) VCF-style: chr10-43617454-C-A.
Other names: c.2791C>A, p.Gln931Lys (NM_000323.2, NM_001406743.1, NM_001406744.1 and 4 more transcripts); c.2029C>A, p.Gln677Lys (NM_001355216.2); c.2662C>A, p.Gln888Lys (NM_001406761.1, NM_001406762.1, NM_001406764.1); c.2656C>A, p.Gln886Lys (NM_001406763.1, NM_001406765.1); c.2503C>A, p.Gln835Lys (NM_001406766.1, NM_001406767.1, NM_001406770.1); c.2527C>A, p.Gln843Lys (NM_001406768.1); c.2395C>A, p.Gln799Lys (NM_001406769.1, NM_001406772.1); c.1894C>A, p.Gln632Lys (NM_001406780.1, NM_001406781.1, NM_001406782.1 and 1 more transcripts); and 10 more; short protein forms Q536K, Q587K, Q632K, Q677K, Q785K, Q496K, Q756K, Q799K.
Identifiers: ClinVar variation 2723047 (VCV002723047.3), dbSNP rs1175933358, ClinGen allele CA376557651.

ClinVar aggregate classification (germline): Uncertain significance (1 of 4 stars; one submission).

Conditions:
Multiple endocrine neoplasia, type 2 (MEN2). Identifiers: Orphanet 653, MedGen C4048306, MONDO:0019003. Disease mechanism: gain of function.

Allele frequency attached by ClinVar (database versions not stated): gnomAD exomes below 0.00001; TOPMed below 0.00001.
gnomAD v4.1: 2 of 1,612,994 alleles (0.00012%); highest among the groups gnomAD compares: African/African-American, 0.0013%; no homozygotes.

Submission:

Labcorp Genetics (formerly Invitae), Labcorp
Classification: Uncertain significance for Multiple endocrine neoplasia, type 2. Last evaluated: 2025-08-03. Review status: criteria provided, single submitter. Criteria: Invitae Variant Classification Sherloc (09022015). Collection method: clinical testing. Allele origin: germline.
Comment: This sequence change replaces glutamine, which is neutral and polar, with lysine, which is basic and polar, at codon 931 of the RET protein (p.Gln931Lys). This variant is present in population databases (no rsID available, gnomAD 0.007%). This variant has not been reported in the literature in individuals affected with RET-related conditions. ClinVar contains an entry for this variant (Variation ID: 2723047). An algorithm developed to predict the effect of missense changes on protein structure and function (PolyPhen-2) suggests that this variant is likely to be disruptive. In summary, the available evidence is currently insufficient to determine the role of this variant in disease. Therefore, it has been classified as a Variant of Uncertain Significance.